The following is an entry in ClinVar:

ClinVar aggregate classification (germline): Uncertain significance (1 of 4 stars; one submission).

Conditions:
Hyper-IgE recurrent infection syndrome 1, autosomal dominant. Also called: JOB SYNDROME; Job's Syndrome; STAT3 Hyper IgE Syndrome; Hyper-IgE recurrent infection syndrome 1; HYPER-IgE SYNDROME 1, AUTOSOMAL DOMINANT, WITH RECURRENT INFECTIONS. Identifiers: Orphanet 2314, MedGen C2936739, MONDO:0007818, OMIM 147060.
STAT3 gain of function. Identifiers: MedGen C4288261.

Submission:

Labcorp Genetics (formerly Invitae), Labcorp
Classification: Uncertain significance for STAT3 gain of function; Hyper-IgE recurrent infection syndrome 1, autosomal dominant. Last evaluated: 2023-05-29. Review status: criteria provided, single submitter. Criteria: Invitae Variant Classification Sherloc (09022015). Collection method: clinical testing. Allele origin: germline.
Comment: This sequence change replaces aspartic acid, which is acidic and polar, with asparagine, which is neutral and polar, at codon 171 of the STAT3 protein (p.Asp171Asn). This variant is not present in population databases (gnomAD no frequency). This variant has not been reported in the literature in individuals affected with STAT3-related conditions. Advanced modeling of protein sequence and biophysical properties (such as structural, functional, and spatial information, amino acid conservation, physicochemical variation, residue mobility, and thermodynamic stability) performed at Invitae indicates that this missense variant is not expected to disrupt STAT3 protein function. In summary, the available evidence is currently insufficient to determine the role of this variant in disease. Therefore, it has been classified as a Variant of Uncertain Significance.

NM_139276.3(STAT3):c.511G>A (p.Asp171Asn)

Gene: STAT3 (signal transducer and activator of transcription 3; minus strand). Cytogenetic location: 17q21.2.
Variant type: single nucleotide variant.
Coding change: c.511G>A on transcript NM_139276.3 (MANE Select); coding-DNA position 511, G replaced by A.
Protein change: p.Asp171Asn; replaces aspartic acid 171 with asparagine.
Molecular consequence: missense variant.
Genome position (GRCh38, 1-based): chr17:42,338,770, C>T on the plus strand (G>A on the coding strand, the complement: STAT3 is on the minus strand). VCF-style: chr17-42338770-C-T. GRCh37 (hg19) VCF-style: chr17-40490788-C-T.
Other names: c.511G>A, p.Asp171Asn (NM_001369512.1, NM_001369513.1, NM_001369514.1 and 15 more transcripts); c.433G>A, p.Asp145Asn (NM_001384985.1); c.415G>A, p.Asp139Asn (NM_001384989.1); short protein forms D139N, D145N, D171N.
Identifiers: ClinVar variation 2948354 (VCV002948354.3), dbSNP rs2509447715, ClinGen allele CA399594769.